The following is an entry in ClinVar:

NM_017838.4(NHP2):c.133C>T (p.Arg45Trp)

Gene: NHP2 (NHP2 ribonucleoprotein; minus strand). Cytogenetic location: 5q35.3.
Variant type: single nucleotide variant.
Coding change: c.133C>T on transcript NM_017838.4 (MANE Select); coding-DNA position 133, C replaced by T.
Protein change: p.Arg45Trp; replaces arginine 45 with tryptophan.
Molecular consequence: missense variant.
Genome position (GRCh38, 1-based): chr5:178,153,685, G>A on the plus strand (C>T on the coding strand, the complement: NHP2 is on the minus strand). VCF-style: chr5-178153685-G-A. GRCh37 (hg19) VCF-style: chr5-177580686-G-A.
Other names: c.133C>T, p.Arg45Trp (NM_001034833.2, NM_001396110.1); short protein forms R45W.
Identifiers: ClinVar variation 4771909 (VCV004771909.1).

ClinVar aggregate classification (germline): Uncertain significance (1 of 4 stars; one submission).

Conditions:
Dyskeratosis congenita. Identifiers: Orphanet 1775, MedGen C0265965, MONDO:0015780.

gnomAD v4.1: 19 of 1,613,898 alleles (0.0012%); highest among the groups gnomAD compares: Non-Finnish European, 0.0016%; no homozygotes.

Submission:

Labcorp Genetics (formerly Invitae), Labcorp
Classification: Uncertain significance for Dyskeratosis congenita. Last evaluated: 2025-11-04. Review status: criteria provided, single submitter. Criteria: Invitae Variant Classification Sherloc (09022015). Collection method: clinical testing. Allele origin: germline.
Comment: This sequence change replaces arginine, which is basic and polar, with tryptophan, which is neutral and slightly polar, at codon 45 of the NHP2 protein (p.Arg45Trp). This variant is present in population databases (no rsID available, gnomAD 0.007%). This variant has not been reported in the literature in individuals affected with NHP2-related conditions. An algorithm developed to predict the effect of missense changes on protein structure and function (PolyPhen-2) suggests that this variant is likely to be disruptive. In summary, the available evidence is currently insufficient to determine the role of this variant in disease. Therefore, it has been classified as a Variant of Uncertain Significance.